The following is an entry in ClinVar:

ClinVar aggregate classification (germline): Likely pathogenic (1 of 4 stars; one submission).

Conditions:
Mucopolysaccharidosis, MPS-II (MPS2). Also called: Hunter Syndrome; IDURONATE 2-SULFATASE DEFICIENCY; Mucopolysaccharidosis Type II; Mucopolysaccharidosis type 2; Attenuated MPS (subtype; formerly known as mild MPS II); Severe MPS II. Identifiers: Orphanet 580, Orphanet 79388, MedGen C0026705, MONDO:0010674, OMIM 309900.

Submission:

Laboratory of Diagnosis and Therapy of Lysosomal Disorders, University of Padova
Classification: Likely pathogenic for Mucopolysaccharidosis, MPS-II. Last evaluated: 2024-06-07. Review status: criteria provided, single submitter. Criteria: ACMG Guidelines, 2015. Collection method: literature only. Allele origin: germline. Affected: yes. Observed: 4 variant alleles.
Comment: In vitro or in vivo functional studies supportive of a damaging effect (PS3_Moderate), Absent from controls (or at low frequency) in gnomAD database (PM2_Moderate), Missense variant in a gene with a low rate of benign missense variation (PP2_Supporting), Multiple lines of computational evidence support a deleterious effect (PP3_Supporting), Patient’s phenotype or family history highly specific for the disease (PP4_Moderate)

Classification method: ACMG Guidelines [PMID:25741868] with modifications

Literature cited by the submitters: PubMed 24780617; PubMed 24767253; PubMed 30639582.

NM_000202.8(IDS):c.425C>T (p.Ser142Phe)

Genes: IDS (iduronate 2-sulfatase; minus strand), LOC106050102 (IDS recombination region; plus strand). Cytogenetic location: Xq28.
Variant type: single nucleotide variant.
Coding change: c.425C>T on transcript NM_000202.8 (MANE Select); coding-DNA position 425, C replaced by T.
Protein change: p.Ser142Phe; replaces serine 142 with phenylalanine.
Molecular consequence: missense variant. On other transcripts: non-coding transcript variant (1).
Genome position (GRCh38, 1-based): chrX:149,501,031, G>A on the plus strand (C>T on the coding strand, the complement: IDS is on the minus strand). VCF-style: chrX-149501031-G-A. GRCh37 (hg19) VCF-style: chrX-148582562-G-A.
Other names: c.155C>T, p.Ser52Phe (NM_001166550.4); c.425C>T, p.Ser142Phe (NM_006123.5); short protein forms S142F, S52F.
Identifiers: ClinVar variation 3255722 (VCV003255722.2).